The following is an entry in ClinVar:

ClinVar aggregate classification (germline): Likely pathogenic. Review status: criteria provided, multiple submitters, no conflicts (2 of 4 stars). 2 submissions from 2 submitters: Likely pathogenic (2). Last evaluated 2025-06-25.

Conditions:
Autosomal recessive limb-girdle muscular dystrophy type 2J (LGMDR10). Also called: Limb-girdle muscular dystrophy, type 2J; MUSCULAR DYSTROPHY, LIMB-GIRDLE, AUTOSOMAL RECESSIVE 10. Identifiers: Orphanet 140922, MedGen C1837342, MONDO:0012127, OMIM 608807.
Dilated cardiomyopathy 1G (CMD1G). Identifiers: Orphanet 154, MedGen C1858763, MONDO:0011400, OMIM 604145.
Primary dilated cardiomyopathy (DCM). Also called: Dilated Cardiomyopathy. Identifiers: Orphanet 217604, MedGen C0007193, MeSH D002311, MONDO:0005021, HP:0001644. Inheritance: Various modes of inheritance.

Submissions (2):

Labcorp Genetics (formerly Invitae), Labcorp
Classification: Likely pathogenic for Dilated cardiomyopathy 1G; Autosomal recessive limb-girdle muscular dystrophy type 2J. Last evaluated: 2025-06-25. Review status: criteria provided, single submitter. Criteria: Invitae Variant Classification Sherloc (09022015). Collection method: clinical testing. Allele origin: germline.
Comment: This sequence change affects an acceptor splice site in intron 308 of the TTN gene. It is expected to disrupt RNA splicing and likely results in a truncated or disrupted TTN protein. This variant is not present in population databases (gnomAD no frequency). Disruption of this splice site has been observed in individual(s) with dilated cardiomyopathy (PMID: 35288587). ClinVar contains an entry for this variant (Variation ID: 228303). Algorithms developed to predict the effect of sequence changes on RNA splicing suggest that this variant may disrupt the consensus splice site. This variant is located in the A band of TTN (PMID: 25589632). Truncating variants in this region are significantly overrepresented in patients affected with dilated cardiomyopathy (PMID: 25589632). Truncating variants in this region have also been reported in individuals affected with autosomal recessive centronuclear myopathy (PMID: 23975875). In summary, the currently available evidence indicates that the variant is pathogenic, but additional data are needed to prove that conclusively. Therefore, this variant has been classified as Likely Pathogenic.

Laboratory for Molecular Medicine, Mass General Brigham Personalized Medicine
Classification: Likely pathogenic for Primary dilated cardiomyopathy. Last evaluated: 2015-03-20. Review status: criteria provided, single submitter. Criteria: LMM Criteria. Collection method: clinical testing. Allele origin: germline. Inheritance: Autosomal dominant inheritance. Observed: 2 variant alleles.
Comment: The c.56693-1G>C variant in TTN has not been reported in individuals with cardio myopathy and was absent from large population studies. This variant occurs in th e invariant region (+/- 1,2) of the splice consensus sequence and is predicted t o cause altered splicing leading to an abnormal or absent protein. Splice and ot her truncating variants in TTN are strongly associated with DCM and the majority occur in the A-band (Herman 2012, LMM unpublished data), where this variant is located. In summary, although additional studies are required to fully establish its clinical significance, the c.56693-1G>C variant is likely pathogenic.

Literature cited by the submitters: PubMed 35288587 (cited by Labcorp Genetics (formerly Invitae), Labcorp); PubMed 25589632 (cited by Labcorp Genetics (formerly Invitae), Labcorp); PubMed 23975875 (cited by Labcorp Genetics (formerly Invitae), Labcorp).

NM_001267550.2(TTN):c.64397-1G>C

Genes: TTN-AS1 (TTN antisense RNA 1; plus strand), TTN (titin; minus strand). Cytogenetic location: 2q31.2.
Variant type: single nucleotide variant.
Coding change: c.64397-1G>C on transcript NM_001267550.2 (MANE Select); the canonical splice acceptor site of the intron before coding-DNA position 64397, G replaced by C.
Molecular consequence: splice acceptor variant.
Genome position (GRCh38, 1-based): chr2:178,585,348, C>G on the plus strand (G>C on the coding strand, the complement: TTN is on the minus strand). VCF-style: chr2-178585348-C-G. GRCh37 (hg19) VCF-style: chr2-179450075-C-G.
Other names: c.37202-1G>C (NM_003319.4); c.37778-1G>C (NM_133437.4); c.37577-1G>C (NM_133432.3); c.56693-1G>C (NM_133378.4); c.59474-1G>C (NM_001256850.1).
Identifiers: ClinVar variation 228303 (VCV000228303.6), dbSNP rs876657668, ClinGen allele CA10576497.